The following is an entry in ClinVar:

NM_000516.7(GNAS):c.2T>C (p.Met1Thr)

Gene: GNAS (GNAS complex locus; plus strand). Cytogenetic location: 20q13.32.
Variant type: single nucleotide variant.
Coding change: c.2T>C on transcript NM_000516.7 (MANE Select); coding-DNA position 2, T replaced by C.
Protein change: p.Met1Thr; changes the start codon (methionine 1).
Molecular consequence: missense variant, initiator codon variant. On other transcripts: intron variant (6).
Genome position (GRCh38, 1-based): chr20:58,891,728, T>C. VCF-style: chr20-58891728-T-C. GRCh37 (hg19) VCF-style: chr20-57466783-T-C.
Other names: c.2T>C, p.Met1Thr (NM_001077488.5, NM_001077489.4, NM_001309842.2 and 1 more transcripts); c.*43-3884T>C (NM_016592.5); c.-38-3884T>C (NM_001309861.2); c.*1-3884T>C (NM_001077490.3); c.2069-3884T>C (NM_080425.4); c.*159-3884T>C (NM_001309883.1); c.-39+2375T>C (NM_001309840.2); short protein forms M1T.
Identifiers: ClinVar variation 499177 (VCV000499177.11), dbSNP rs1555883949, ClinGen allele CA409448615.

ClinVar aggregate classification (germline): Pathogenic. Review status: criteria provided, multiple submitters, no conflicts (2 of 4 stars). 4 submissions from 4 submitters: Pathogenic (4). Last evaluated 2025-08-27.

Conditions:
Autosomal dominant GNAS-related disorders.

Submissions (4):

Variantyx, Inc.
Classification: Pathogenic for Autosomal dominant GNAS-related disorders. Last evaluated: 2025-08-27. Review status: criteria provided, single submitter. Criteria: Variantyx Assertion Criteria 2022. Collection method: clinical testing. Allele origin: de novo. Inheritance: Autosomal dominant inheritance. Affected: yes.
Comment: This is a start-loss variant in the GNAS gene (OMIM: 139320). Pathogenic variants in this gene have been associated with autosomal dominant GNAS-related disorders. The alteration results in loss of the initiation codon and is expected to result in loss of function, which is a known disease mechanism for GNAS in these disorders (PMID: 21713996, 2109828, 29072892) (PVS1). This variant is absent from control populations (PM2). Based on the current evidence, this variant is classified as pathogenic for autosomal dominant GNAS-related disorders. GNAS is an imprinted gene. Loss-of-function variants on the maternal chromosome are associated with PHP type I, whereas loss-of-function variants on the paternal chromosome are associated with pseudopseudohypoparathyroidism (PPHP) and progressive osseous heteroplasia (POH) (PMID: 17161328, 29072892).

Centre of Medical Genetics, University Hospital Muenster
Classification: Pathogenic. Last evaluated: 2025-06-10. Review status: criteria provided, single submitter. Criteria: ACMG Guidelines, 2015. Collection method: clinical testing. Allele origin: germline. Affected: yes. Observed: 1 variant allele, 1 heterozygote.
Comment: ACMG categories: PVS1,PS2,PM2

Labcorp Genetics (formerly Invitae), Labcorp
Classification: Pathogenic. Last evaluated: 2024-06-09. Review status: criteria provided, single submitter. Criteria: Invitae Variant Classification Sherloc (09022015). Collection method: clinical testing. Allele origin: germline.
Comment: This sequence change affects the initiator methionine of the GNAS mRNA. The next in-frame methionine is located at codon 60. This variant is not present in population databases (gnomAD no frequency). Disruption of the initiator codon has been observed in individual(s) with Albright’s hereditary osteodystrophy (PMID: 2109828, 17164301, 21713996). In at least one individual the variant was observed to be de novo. ClinVar contains an entry for this variant (Variation ID: 499177). Algorithms developed to predict the effect of variants on gene product structure and function are not available or were not evaluated for this variant. Experimental studies have shown that disruption of the initiator codon affects GNAS function (PMID: 21713996). For these reasons, this variant has been classified as Pathogenic.

Eurofins Ntd Llc (ga)
Classification: Pathogenic. Last evaluated: 2017-01-13. Review status: criteria provided, single submitter. Criteria: EGL Classification Definitions 2015. Collection method: clinical testing. Allele origin: germline. Observed: 2 variant alleles, 2 heterozygotes.

Literature cited by the submitters: PubMed 29072892 (cited by Variantyx, Inc.); PubMed 21713996 (cited by 3 submitters); PubMed 2109828 (cited by 3 submitters); PubMed 17161328 (cited by Variantyx, Inc.); PubMed 17164301 (cited by Labcorp Genetics (formerly Invitae), Labcorp and Eurofins Ntd Llc (ga)).